The following is an entry in ClinVar:

NM_001024383.2(NAV3):c.4785+1G>A

Gene: NAV3 (neuron navigator 3; plus strand). Cytogenetic location: 12q21.2.
Variant type: single nucleotide variant.
Coding change: c.4785+1G>A on transcript NM_001024383.2 (MANE Select); the canonical splice donor site of the intron after coding-DNA position 4785, G replaced by A.
Molecular consequence: splice donor variant.
Genome position (GRCh38, 1-based): chr12:78,148,920, G>A. VCF-style: chr12-78148920-G-A. GRCh37 (hg19) VCF-style: chr12-78542700-G-A.
Other names: c.4785+1G>A (NM_014903.6).
Identifiers: ClinVar variation 3767644 (VCV003767644.1).
Genomic context (GRCh38, chr12:78,148,920, plus strand): 5'-AGAGAGCTGGTTGCATCACAAGAAAAAGTTGCTACCCTCACATCTCAGCTTTCAGCAAAT[G>A]TAAGTCACTTCATTTTTAAAATATATTACAACAAATTTTTATAGAGGAAAATGAAATCAT-3'

ClinVar aggregate classification (germline): Uncertain significance (1 of 4 stars; one submission).

Submission:

GeneDx
Classification: Uncertain significance. Last evaluated: 2023-12-03. Review status: criteria provided, single submitter. Criteria: GeneDx Variant Classification Process June 2021. Collection method: clinical testing. Allele origin: germline. Affected: yes.
Comment: Not observed at significant frequency in large population cohorts (gnomAD); Has not been previously published as pathogenic or benign to our knowledge; Variants in candidate genes are classified as variants of uncertain significance in accordance with ACMG guidelines (PMID: 25741868); Canonical splice site variant in a gene for which loss-of-function is not an established mechanism of disease